The following is an entry in ClinVar:

ClinVar aggregate classification (germline): Uncertain significance (1 of 4 stars; one submission).

Submission:

GeneDx
Classification: Uncertain significance. Last evaluated: 2026-01-10. Review status: criteria provided, single submitter. Criteria: GeneDx Variant Classification Process June 2021. Collection method: clinical testing. Allele origin: germline. Affected: yes.
Comment: Not observed at significant frequency in large population cohorts (gnomAD); In silico analysis suggests that this missense variant does not alter protein structure/function; Has not been previously published as pathogenic or benign to our knowledge

NM_004415.4(DSP):c.457T>C (p.Tyr153His)

Gene: DSP (desmoplakin; plus strand). Cytogenetic location: 6p24.3.
Variant type: single nucleotide variant.
Coding change: c.457T>C on transcript NM_004415.4 (MANE Select); coding-DNA position 457, T replaced by C.
Protein change: p.Tyr153His; replaces tyrosine 153 with histidine.
Molecular consequence: missense variant.
Genome position (GRCh38, 1-based): chr6:7,559,260, T>C. VCF-style: chr6-7559260-T-C. GRCh37 (hg19) VCF-style: chr6-7559493-T-C.
Other names: c.457T>C, p.Tyr153His (NM_001008844.3, NM_001319034.2); short protein forms Y153H.
Identifiers: ClinVar variation 1700267 (VCV001700267.3), dbSNP rs2113659665, ClinGen allele CA362672177.